The following is an entry in ClinVar:

NM_006904.7(PRKDC):c.4567G>C (p.Gly1523Arg)

Gene: PRKDC (protein kinase, DNA-activated, catalytic subunit; minus strand). Cytogenetic location: 8q11.21.
Variant type: single nucleotide variant.
Coding change: c.4567G>C on transcript NM_006904.7 (MANE Select); coding-DNA position 4567, G replaced by C.
Protein change: p.Gly1523Arg; replaces glycine 1523 with arginine.
Molecular consequence: missense variant.
Genome position (GRCh38, 1-based): chr8:47,887,552, C>G on the plus strand (G>C on the coding strand, the complement: PRKDC is on the minus strand). VCF-style: chr8-47887552-C-G. GRCh37 (hg19) VCF-style: chr8-48800113-C-G.
Other names: c.4567G>C, p.Gly1523Arg (NM_001081640.2); short protein forms G1523R.
Identifiers: ClinVar variation 1907745 (VCV001907745.2), dbSNP rs755644149, ClinGen allele CA4740878.

ClinVar aggregate classification (germline): Uncertain significance (1 of 4 stars; one submission).

Conditions:
Severe combined immunodeficiency due to DNA-PKcs deficiency. Also called: IMMUNODEFICIENCY 26 WITH NEUROLOGIC ABNORMALITIES; Immunodeficiency 26 with or without neurologic abnormalities. Identifiers: Orphanet 317425, MedGen C4014833, MONDO:0014423, OMIM 615966.

Allele frequency attached by ClinVar (database versions not stated): gnomAD exomes below 0.00001; ExAC 0.00003.
gnomAD v4.1: 1 of 1,577,814 alleles (0.000063%); highest among the groups gnomAD compares: Admixed American, 0.0019%; no homozygotes.

Submission:

Labcorp Genetics (formerly Invitae), Labcorp
Classification: Uncertain significance for Severe combined immunodeficiency due to DNA-PKcs deficiency. Last evaluated: 2022-03-12. Review status: criteria provided, single submitter. Criteria: Invitae Variant Classification Sherloc (09022015). Collection method: clinical testing. Allele origin: germline.
Comment: This sequence change replaces glycine, which is neutral and non-polar, with arginine, which is basic and polar, at codon 1523 of the PRKDC protein (p.Gly1523Arg). The frequency data for this variant in the population databases is considered unreliable, as metrics indicate poor data quality at this position in the gnomAD database. This variant has not been reported in the literature in individuals affected with PRKDC-related conditions. Algorithms developed to predict the effect of sequence changes on RNA splicing suggest that this variant may create or strengthen a splice site. In summary, the available evidence is currently insufficient to determine the role of this variant in disease. Therefore, it has been classified as a Variant of Uncertain Significance.